The following is an entry in ClinVar:

NM_000535.7(PMS2):c.904-199_988+2del

Gene: PMS2 (PMS1 homolog 2, mismatch repair system component; minus strand). Cytogenetic location: 7p22.1.
Variant type: Deletion.
Coding change: c.904-199_988+2del on transcript NM_000535.7 (MANE Select); 199 bases into the intron before coding-DNA position 904 through the canonical splice donor site of the intron after coding-DNA position 988, 286 bases deleted.
Molecular consequence: splice acceptor variant, splice donor variant. On other transcripts: initiator codon variant (2).
Genome position (GRCh38, 1-based): chr7:5,991,971-5,992,256, 286 bases deleted. GRCh37 (hg19): chr7:6,031,602-6,031,887.
Other names: c.586-199_670+2del (NM_001322008.2, NM_001322007.2); c.499-199_583+2del (NM_001322010.2, NM_001322004.2, NM_001322003.2 and 2 more transcripts); c.331-199_415+2del (NM_001322013.2); c.-30-199_55+2del (NM_001322012.2, NM_001322011.2); c.595-199_679+2del (NM_001322015.2); c.904-199_988+2del (NM_001322006.2, NM_001322014.2).
Identifiers: ClinVar variation 1050469 (VCV001050469.2), dbSNP rs2128754923, ClinGen allele CA2499218969.

ClinVar aggregate classification (germline): Pathogenic (0 of 4 stars; one submission).

Conditions:
Endometrial carcinoma. Also called: Endometrial carcinoma, somatic. Identifiers: MedGen C0476089, MONDO:0002447, OMIM 608089, HP:0012114.

Submission:

Department of Pathology and Laboratory Medicine, Sinai Health System
Classification: Pathogenic for Endometrial carcinoma. Review status: no assertion criteria provided. Collection method: clinical testing. Allele origin: unknown. Affected: yes. Observed: 1 variant allele. Study: The Canadian Open Genetics Repository (COGR).
Comment: The PMS2 c.706-?_988+?del variant (chr:7 g.6031604_6037054del GRCh37) results in a deletion of exons 7-9, although the precise breakpoints of this deletion were not determined, nor were the effects of this variant on the resulting mRNA or protein product. This c.706-?_988+?del variant was not identified in the literature nor was it identified in dbSNP, ClinVar, COGR, Cosmic, Zhejiang Colon Cancer Database, Mismatch Repair Genes Variant Database, InSiGHT Hereditary Tumors database, the 1000 Genomes Project, the NHLBI GO Exome Sequencing Project, the Exome Aggregation Consortium (August 8th 2016), or the Genome Aggregation Database (Feb 27, 2017). The c.706-?_988+?del variant is predicted to cause a frameshift, which alters the protein's amino acid sequence beginning at codon 236 and leads to a premature stop codon. This alteration is then predicted to result in a truncated or absent protein and loss of function. Loss of function variants of the PMS2 gene are an established mechanism of disease in PMS2 associated cancers and is the type of variant expected to cause the disorder. In summary, based on the above information this variant meets our laboratoryâ€šÃ„Ã´s criteria to be classified as pathogenic.